The following is an entry in ClinVar:

ClinVar aggregate classification (germline): Likely pathogenic (1 of 4 stars; one submission).

Conditions:
Facioscapulohumeral muscular dystrophy 2 (FSHD2). Also called: FACIOSCAPULOHUMERAL MUSCULAR DYSTROPHY 2, DIGENIC; FSHD2, DIGENIC; MUSCULAR DYSTROPHY, FACIOSCAPULOHUMERAL, TYPE 1B. Identifiers: Orphanet 269, MedGen C1834671, MONDO:0008031, OMIM 158901.

Submission:

Labcorp Genetics (formerly Invitae), Labcorp
Classification: Likely pathogenic for Facioscapulohumeral muscular dystrophy 2. Last evaluated: 2017-12-10. Review status: criteria provided, single submitter. Criteria: Invitae Variant Classification Sherloc (09022015). Collection method: clinical testing. Allele origin: germline.
Comment: In summary, the currently available evidence indicates that the variant is pathogenic, but additional data are needed to prove that conclusively. Therefore, this variant has been classified as Likely Pathogenic. Donor and acceptor splice site variants typically lead to a loss of protein function (PMID: 16199547), and loss-of-function variants in SMCHD1 are known to be pathogenic (PMID: 23143600). Algorithms developed to predict the effect of sequence changes on RNA splicing suggest that this variant may disrupt the consensus splice site, but this prediction has not been confirmed by published transcriptional studies. This variant has not been reported in the literature in individuals with SMCHD1-related disease. This variant is not present in population databases (ExAC no frequency). This sequence change affects a donor splice site in intron 37 of the SMCHD1 gene. It is expected to disrupt RNA splicing and likely results in an absent or disrupted protein product.

Literature cited by the submitters: PubMed 16199547; PubMed 23143600.

NM_015295.3(SMCHD1):c.4719+1G>T

Gene: SMCHD1 (structural maintenance of chromosomes flexible hinge domain containing 1; plus strand). Cytogenetic location: 18p11.32.
Variant type: single nucleotide variant.
Coding change: c.4719+1G>T on transcript NM_015295.3 (MANE Select); the canonical splice donor site of the intron after coding-DNA position 4719, G replaced by T.
Molecular consequence: splice donor variant.
Genome position (GRCh38, 1-based): chr18:2,763,790, G>T. VCF-style: chr18-2763790-G-T. GRCh37 (hg19) VCF-style: chr18-2763788-G-T.
Identifiers: ClinVar variation 532805 (VCV000532805.7), dbSNP rs886044369, ClinGen allele CA401697665.
Genomic context (GRCh38, chr18:2,763,790, plus strand): 5'-TTTATTGGGAAAGTTAGAACACTTGAATTCCCCTTCGTGAATGGTTCGGCTGAAATCATG[G>T]TAAATTTTTTATATCTTTTGGTAGATAGAATTTCTGTATTTAATGCTTTTAACCACCATA-3'